The following is an entry in ClinVar:

ClinVar aggregate classification (germline): Pathogenic (1 of 4 stars; one submission).

Conditions:
Inborn genetic diseases. Identifiers: MedGen C0950123, MeSH D030342.

Submission:

Ambry Genetics
Classification: Pathogenic for Inborn genetic diseases. Last evaluated: 2024-03-19. Review status: criteria provided, single submitter. Criteria: Ambry Variant Classification Scheme 2023. Collection method: clinical testing. Allele origin: germline.
Comment: The c.6372C>A (p.C2124*) alteration, located in coding exon 29 of the MED13L gene, consists of a C to A substitution at nucleotide position 6372. This changes the amino acid from a cysteine (C) to a stop codon at amino acid position 2124. This alteration is expected to result in loss of function by premature protein truncation or nonsense-mediated mRNA decay. This variant was not reported in population-based cohorts in the Genome Aggregation Database (gnomAD). Based on the available evidence, this alteration is classified as pathogenic.

NM_015335.5(MED13L):c.6372C>A (p.Cys2124Ter)

Gene: MED13L (mediator complex subunit 13L; minus strand). Cytogenetic location: 12q24.21.
Variant type: single nucleotide variant.
Coding change: c.6372C>A on transcript NM_015335.5 (MANE Select); coding-DNA position 6372, C replaced by A.
Protein change: p.Cys2124Ter; replaces cysteine 2124 with a stop codon.
Molecular consequence: nonsense.
Genome position (GRCh38, 1-based): chr12:115,966,097, G>T on the plus strand (C>A on the coding strand, the complement: MED13L is on the minus strand). VCF-style: chr12-115966097-G-T. GRCh37 (hg19) VCF-style: chr12-116403902-G-T.
Other names: short protein forms C2124*.
Identifiers: ClinVar variation 3294006 (VCV003294006.1).